The following is an entry in ClinVar:

ClinVar aggregate classification (germline): Uncertain significance (1 of 4 stars; one submission).

Allele frequency attached by ClinVar (database versions not stated): gnomAD exomes below 0.00001; TOPMed below 0.00001; gnomAD 0.00001.
gnomAD v4.1: 3 of 1,599,926 alleles (0.00019%); highest among the groups gnomAD compares: East Asian, 0.0023%; no homozygotes.

Submission:

Labcorp Genetics (formerly Invitae), Labcorp
Classification: Uncertain significance. Last evaluated: 2022-09-27. Review status: criteria provided, single submitter. Criteria: Invitae Variant Classification Sherloc (09022015). Collection method: clinical testing. Allele origin: germline.
Comment: This variant is present in population databases (rs754058543, gnomAD 0.006%). This sequence change replaces aspartic acid, which is acidic and polar, with asparagine, which is neutral and polar, at codon 377 of the PLOD3 protein (p.Asp377Asn). This variant has not been reported in the literature in individuals affected with PLOD3-related conditions. ClinVar contains an entry for this variant (Variation ID: 1375979). Algorithms developed to predict the effect of missense changes on protein structure and function are either unavailable or do not agree on the potential impact of this missense change (SIFT: "Deleterious"; PolyPhen-2: "Benign"; Align-GVGD: "Class C0"). In summary, the available evidence is currently insufficient to determine the role of this variant in disease. Therefore, it has been classified as a Variant of Uncertain Significance.

NM_001084.5(PLOD3):c.1129G>A (p.Asp377Asn)

Gene: PLOD3 (procollagen-lysine,2-oxoglutarate 5-dioxygenase 3; minus strand). Cytogenetic location: 7q22.1.
Variant type: single nucleotide variant.
Coding change: c.1129G>A on transcript NM_001084.5 (MANE Select); coding-DNA position 1129, G replaced by A.
Protein change: p.Asp377Asn; replaces aspartic acid 377 with asparagine.
Molecular consequence: missense variant.
Genome position (GRCh38, 1-based): chr7:101,211,949, C>T on the plus strand (G>A on the coding strand, the complement: PLOD3 is on the minus strand). VCF-style: chr7-101211949-C-T. GRCh37 (hg19) VCF-style: chr7-100855230-C-T.
Other names: short protein forms D377N.
Identifiers: ClinVar variation 1375979 (VCV001375979.6), dbSNP rs754058543, ClinGen allele CA4407820.